The following is an entry in ClinVar:

NM_032043.3(BRIP1):c.2191G>C (p.Glu731Gln)

Gene: BRIP1 (BRCA1 interacting DNA helicase 1; minus strand). Cytogenetic location: 17q23.2.
Variant type: single nucleotide variant.
Coding change: c.2191G>C on transcript NM_032043.3 (MANE Select); coding-DNA position 2191, G replaced by C.
Protein change: p.Glu731Gln; replaces glutamic acid 731 with glutamine.
Molecular consequence: missense variant.
Genome position (GRCh38, 1-based): chr17:61,744,498, C>G on the plus strand (G>C on the coding strand, the complement: BRIP1 is on the minus strand). VCF-style: chr17-61744498-C-G. GRCh37 (hg19) VCF-style: chr17-59821859-C-G.
Other names: short protein forms E731Q.
Identifiers: ClinVar variation 3572313 (VCV003572313.1).

ClinVar aggregate classification (germline): Uncertain significance (1 of 4 stars; one submission).

Submission:

Quest Diagnostics Nichols Institute San Juan Capistrano
Classification: Uncertain significance. Last evaluated: 2024-05-14. Review status: criteria provided, single submitter. Criteria: Quest Diagnostics criteria. Collection method: clinical testing. Allele origin: unknown.
Comment: The BRIP1 c.2191G>C (p.Glu731Gln) variant has not been reported in individuals with BRIP1-related conditions in the published literature. It also has not been reported in large, multi-ethnic general populations (Genome Aggregation Database). Analysis of this variant using bioinformatics tools for the prediction of the effect of amino acid changes on protein structure and function yielded conflicting predictions that this variant is benign or damaging. Based on the available information, we are unable to determine the clinical significance of this variant.